The following is an entry in ClinVar:

ClinVar aggregate classification (germline): Pathogenic (1 of 4 stars; one submission).

gnomAD v4.1: 1 of 1,611,852 alleles (0.000062%); highest among the groups gnomAD compares: Non-Finnish European, 0.000085%; no homozygotes.

Submission:

GeneDx
Classification: Pathogenic. Last evaluated: 2025-05-06. Review status: criteria provided, single submitter. Criteria: GeneDx Variant Classification Process June 2021. Collection method: clinical testing. Allele origin: germline. Affected: yes.
Comment: Nonsense variant predicted to result in protein truncation or nonsense mediated decay in a gene for which loss of function is a known mechanism of disease; Located in the A-band, a region of TTN for which truncating variants are significantly associated with autosomal dominant cardiomyopathy and also with autosomal recessive skeletal myopathies (PMID: 22335739, 32778822); Identified in a patient with LVNC and in a patient with DCM in published literature (PMID: 30851055, 39692270); Not observed at significant frequency in large population cohorts (gnomAD); This variant is associated with the following publications: (PMID: 32778822, 22335739, 38642551, 30851055, 39692270)

NM_001267550.2(TTN):c.49530C>A (p.Tyr16510Ter)

Genes: TTN (titin; minus strand), TTN-AS1 (TTN antisense RNA 1; plus strand). Cytogenetic location: 2q31.2.
Variant type: single nucleotide variant.
Coding change: c.49530C>A on transcript NM_001267550.2 (MANE Select); coding-DNA position 49530, C replaced by A.
Protein change: p.Tyr16510Ter; replaces tyrosine 16510 with a stop codon.
Molecular consequence: nonsense.
Genome position (GRCh38, 1-based): chr2:178,613,753, G>T on the plus strand (C>A on the coding strand, the complement: TTN is on the minus strand). VCF-style: chr2-178613753-G-T. GRCh37 (hg19) VCF-style: chr2-179478480-G-T.
Other names: c.44607C>A, p.Tyr14869Ter (NM_001256850.1); c.22335C>A, p.Tyr7445Ter (NM_003319.4); c.41826C>A, p.Tyr13942Ter (NM_133378.4); c.22710C>A, p.Tyr7570Ter (NM_133432.3); c.22911C>A, p.Tyr7637Ter (NM_133437.4); short protein forms Y13942*, Y14869*, Y16510*, Y7445*, Y7570*, Y7637*.
Identifiers: ClinVar variation 4528305 (VCV004528305.1).
Genomic context (GRCh38, chr2:178,613,753, plus strand): 5'-AGAGTAAACATTTGAATATACTGCTGTCTTAACATCTTGATGGGGATTCTGAGCATACCT[G>T]TATGTTGTGTCCTTTACTGGCATCTTATTGCATCTAACCCATTTATCTGTATCAGGATCC-3'